The following is an entry in ClinVar:

NM_016616.5(NME8):c.1630G>A (p.Ala544Thr)

Gene: NME8 (NME/NM23 family member 8; plus strand). Cytogenetic location: 7p14.1.
Variant type: single nucleotide variant.
Coding change: c.1630G>A on transcript NM_016616.5 (MANE Select); coding-DNA position 1630, G replaced by A.
Protein change: p.Ala544Thr; replaces alanine 544 with threonine.
Molecular consequence: missense variant.
Genome position (GRCh38, 1-based): chr7:37,896,955, G>A. VCF-style: chr7-37896955-G-A. GRCh37 (hg19) VCF-style: chr7-37936557-G-A.
Other names: short protein forms A544T.
Identifiers: ClinVar variation 468993 (VCV000468993.20), dbSNP rs140494494, ClinGen allele CA4222582.
Genomic context (GRCh38, chr7:37,896,955, plus strand): 5'-ACCAAGTGGAATGCTGTTGCAGAATGGAGACGATTGATGGGCCCAACAGACCCAGAAGAA[G>A]CAAAATTACTTTCCCCTGACTCCATCCGAGCCCAGTTTGGAATAAGTAAATTGAAAAACA-3'
Protein context (NP_057700.3, residues 534-554): RLMGPTDPEE[Ala544Thr]KLLSPDSIRA

ClinVar aggregate classification (germline): Likely benign. Review status: criteria provided, multiple submitters, no conflicts (2 of 4 stars). 7 submissions from 7 submitters: Likely benign (6). 1 of the submissions does not count toward it. Last evaluated 2025-12-23.

Conditions:
NME8-related disorder. Also called: NME8-related condition.
Primary ciliary dyskinesia 6. Also called: Primary Ciliary Dyskinesia 6: TXNDC3-Related Primary Ciliary Dyskinesia. Identifiers: Orphanet 244, MedGen C1970506, MONDO:0012571, OMIM 610852.
Primary ciliary dyskinesia. Also called: Ciliary dyskinesia. Identifiers: Orphanet 244, MedGen C0008780, MONDO:0016575, HP:0012265.

Allele frequency attached by ClinVar (database versions not stated): gnomAD 0.00014 and 0.00025; TOPMed 0.00023; ESP Exome Variant Server 0.00046; gnomAD exomes 0.00056; ExAC 0.00066.
gnomAD v4.1: 648 of 1,613,828 alleles (0.04%); highest among the groups gnomAD compares: Middle Eastern, 0.59%; 4 homozygotes.

Submissions (7):

Labcorp Genetics (formerly Invitae), Labcorp
Classification: Likely benign for Primary ciliary dyskinesia 6. Last evaluated: 2025-12-23. Review status: criteria provided, single submitter. Criteria: Invitae Variant Classification Sherloc (09022015). Collection method: clinical testing. Allele origin: germline.

Blueprint Genetics
Classification: Likely benign. Last evaluated: 2024-11-26. Review status: criteria provided, single submitter. Criteria: ACMG Guidelines, 2015. Collection method: clinical testing. Allele origin: germline.

ARUP Laboratories, Molecular Genetics and Genomics, ARUP Laboratories
Classification: Likely benign for Primary ciliary dyskinesia 6. Last evaluated: 2024-04-08. Review status: criteria provided, single submitter. Criteria: ARUP Molecular Germline Variant Investigation Process 2024. Collection method: clinical testing. Allele origin: germline.

Ambry Genetics
Classification: Likely benign for Primary ciliary dyskinesia. Last evaluated: 2022-08-27. Review status: criteria provided, single submitter. Criteria: Ambry Variant Classification Scheme 2023. Collection method: clinical testing. Allele origin: germline.

Dubai Health Genomic Medicine Center, Dubai Health
Classification: Likely benign for Primary ciliary dyskinesia 6. Last evaluated: 2020-03-17. Review status: criteria provided, single submitter. Criteria: ACMG Guidelines, 2015. Collection method: clinical testing. Allele origin: germline. Affected: yes.

Breakthrough Genomics
Classification: Likely benign. Review status: criteria provided, single submitter. Criteria: ACMG Guidelines, 2015. Collection method: not provided. Allele origin: germline. Inheritance: Autosomal recessive inheritance. Affected: yes.

PreventionGenetics, part of Exact Sciences
Classification: Likely benign for NME8-related condition. Last evaluated: 2021-02-12. Review status: no assertion criteria provided. Collection method: clinical testing. Allele origin: germline. Not counted in ClinVar's aggregate classification.
Comment: This variant is classified as likely benign based on ACMG/AMP sequence variant interpretation guidelines (Richards et al. 2015 PMID: 25741868, with internal and published modifications).

Literature cited by the submitters: PubMed 22499950 (cited by Ambry Genetics).